The following is an entry in ClinVar:

NM_014225.6(PPP2R1A):c.1128+3A>C

Gene: PPP2R1A (protein phosphatase 2 scaffold subunit Aalpha; plus strand). Cytogenetic location: 19q13.41.
Variant type: single nucleotide variant.
Coding change: c.1128+3A>C on transcript NM_014225.6 (MANE Select); 3 bases into the intron after coding-DNA position 1128, A replaced by C.
Molecular consequence: intron variant.
Genome position (GRCh38, 1-based): chr19:52,216,666, A>C. VCF-style: chr19-52216666-A-C. GRCh37 (hg19) VCF-style: chr19-52719919-A-C.
Other names: c.591+3A>C (NM_001363656.2).
Identifiers: ClinVar variation 1929556 (VCV001929556.5), dbSNP rs779333703, ClinGen allele CA2525159380.

ClinVar aggregate classification (germline): Uncertain significance (1 of 4 stars; one submission).

gnomAD v4.1: 3 of 1,614,104 alleles (0.00019%); highest among the groups gnomAD compares: Non-Finnish European, 0.00017%; no homozygotes.

Submission:

Labcorp Genetics (formerly Invitae), Labcorp
Classification: Uncertain significance. Last evaluated: 2022-09-19. Review status: criteria provided, single submitter. Criteria: Invitae Variant Classification Sherloc (09022015). Collection method: clinical testing. Allele origin: germline.
Comment: This sequence change falls in intron 9 of the PPP2R1A gene. It does not directly change the encoded amino acid sequence of the PPP2R1A protein. It affects a nucleotide within the consensus splice site. This variant is not present in population databases (gnomAD no frequency). This variant has been observed in individual(s) with clinical features of PPP2R1A-related conditions (PMID: 31130284). Variants that disrupt the consensus splice site are a relatively common cause of aberrant splicing (PMID: 17576681, 9536098). Algorithms developed to predict the effect of sequence changes on RNA splicing suggest that this variant is not likely to affect RNA splicing. In summary, the available evidence is currently insufficient to determine the role of this variant in disease. Therefore, it has been classified as a Variant of Uncertain Significance.

Literature cited by the submitters: PubMed 31130284; PubMed 17576681; PubMed 9536098.